The following is an entry in ClinVar:

ClinVar aggregate classification (germline): Uncertain significance (1 of 4 stars; one submission).

Conditions:
Left ventricular noncompaction 8 (LVNC8). Identifiers: Orphanet 154, Orphanet 54260, MedGen C3809288, MONDO:0014152, OMIM 615373.

Submission:

Labcorp Genetics (formerly Invitae), Labcorp
Classification: Uncertain significance for Left ventricular noncompaction 8. Last evaluated: 2020-03-03. Review status: criteria provided, single submitter. Criteria: Invitae Variant Classification Sherloc (09022015). Collection method: clinical testing. Allele origin: germline.
Comment: This sequence change replaces methionine with isoleucine at codon 711 of the PRDM16 protein (p.Met711Ile). The methionine residue is highly conserved and there is a small physicochemical difference between methionine and isoleucine. This variant is not present in population databases (ExAC no frequency). This variant has not been reported in the literature in individuals with PRDM16-related conditions. Algorithms developed to predict the effect of missense changes on protein structure and function (SIFT, PolyPhen-2, Align-GVGD) all suggest that this variant is likely to be tolerated, but these predictions have not been confirmed by published functional studies and their clinical significance is uncertain. In summary, the available evidence is currently insufficient to determine the role of this variant in disease. Therefore, it has been classified as a Variant of Uncertain Significance.

NM_022114.4(PRDM16):c.2133G>T (p.Met711Ile)

Gene: PRDM16 (PR/SET domain 16; plus strand). Cytogenetic location: 1p36.32.
Variant type: single nucleotide variant.
Coding change: c.2133G>T on transcript NM_022114.4 (MANE Select); coding-DNA position 2133, G replaced by T.
Protein change: p.Met711Ile; replaces methionine 711 with isoleucine.
Molecular consequence: missense variant.
Genome position (GRCh38, 1-based): chr1:3,412,330, G>T. VCF-style: chr1-3412330-G-T. GRCh37 (hg19) VCF-style: chr1-3328894-G-T.
Other names: c.2133G>T, p.Met711Ile (NM_199454.3); short protein forms M711I.
Identifiers: ClinVar variation 1016551 (VCV001016551.8), dbSNP rs1171883892, ClinGen allele CA337999744.